The following is an entry in ClinVar:

ClinVar aggregate classification (germline): Benign (1 of 4 stars; one submission).

Allele frequency attached by ClinVar (database versions not stated): 1000 Genomes Project 30x 0.19628; 1000 Genomes Project 0.19908; TOPMed 0.21486; gnomAD 0.21752 and 0.22031.
gnomAD v4.1: 33,506 of 152,034 alleles (22%); highest among the groups gnomAD compares: East Asian, 30%; 4,536 homozygotes.

Submission:

GeneDx
Classification: Benign. Last evaluated: 2018-06-16. Review status: criteria provided, single submitter. Criteria: GeneDx Variant Classification (06012015). Collection method: clinical testing. Allele origin: germline. Affected: yes.
Comment: This variant is considered likely benign or benign based on one or more of the following criteria: it is a conservative change, it occurs at a poorly conserved position in the protein, it is predicted to be benign by multiple in silico algorithms, and/or has population frequency not consistent with disease.

NM_003640.5(ELP1):c.1855-217A>G

Gene: ELP1 (elongator acetyltransferase complex subunit 1; minus strand). Cytogenetic location: 9q31.3.
Variant type: single nucleotide variant.
Coding change: c.1855-217A>G on transcript NM_003640.5 (MANE Select); 217 bases into the intron before coding-DNA position 1855, A replaced by G.
Molecular consequence: intron variant.
Genome position (GRCh38, 1-based): chr9:108,901,898, T>C on the plus strand (A>G on the coding strand, the complement: ELP1 is on the minus strand). VCF-style: chr9-108901898-T-C. GRCh37 (hg19) VCF-style: chr9-111664178-T-C.
Other names: c.1513-217A>G (NM_001318360.2); c.808-217A>G (NM_001330749.2).
Identifiers: ClinVar variation 681941 (VCV000681941.1), dbSNP rs3818932, ClinGen allele CA13036354.